The following is an entry in ClinVar:

ClinVar aggregate classification (germline): Uncertain significance. Review status: criteria provided, multiple submitters, no conflicts (2 of 4 stars). 2 submissions from 2 submitters: Uncertain significance (2). Last evaluated 2024-10-23.

Conditions:
Hereditary cancer-predisposing syndrome. Also called: Neoplastic Syndromes, Hereditary; Tumor predisposition; Hereditary neoplastic syndrome; Hereditary Cancer Syndrome. Identifiers: Orphanet 140162, MedGen C0027672, MeSH D009386, MONDO:0015356.

Allele frequency attached by ClinVar (database versions not stated): gnomAD exomes 0.00001; ExAC 0.00002; gnomAD below 0.00001 and 0.00001.
gnomAD v4.1: 10 of 1,611,928 alleles (0.00062%); highest among the groups gnomAD compares: South Asian, 0.0099%; no homozygotes.

Submissions (2):

Labcorp Genetics (formerly Invitae), Labcorp
Classification: Uncertain significance for Hereditary cancer-predisposing syndrome. Last evaluated: 2024-10-23. Review status: criteria provided, single submitter. Criteria: Invitae Variant Classification Sherloc (09022015). Collection method: clinical testing. Allele origin: germline.
Comment: This sequence change replaces methionine, which is neutral and non-polar, with isoleucine, which is neutral and non-polar, at codon 208 of the RAD50 protein (p.Met208Ile). This variant is present in population databases (rs766701804, gnomAD 0.01%). This variant has not been reported in the literature in individuals affected with RAD50-related conditions. ClinVar contains an entry for this variant (Variation ID: 826270). Invitae Evidence Modeling of protein sequence and biophysical properties (such as structural, functional, and spatial information, amino acid conservation, physicochemical variation, residue mobility, and thermodynamic stability) indicates that this missense variant is not expected to disrupt RAD50 protein function with a negative predictive value of 80%. In summary, the available evidence is currently insufficient to determine the role of this variant in disease. Therefore, it has been classified as a Variant of Uncertain Significance.

Ambry Genetics
Classification: Uncertain significance for Hereditary cancer-predisposing syndrome. Last evaluated: 2024-01-20. Review status: criteria provided, single submitter. Criteria: Ambry Variant Classification Scheme 2023. Collection method: clinical testing. Allele origin: germline.
Comment: The p.M208I variant (also known as c.624G>A), located in coding exon 5 of the RAD50 gene, results from a G to A substitution at nucleotide position 624. The methionine at codon 208 is replaced by isoleucine, an amino acid with highly similar properties. This amino acid position is poorly conserved in available vertebrate species. In addition, this alteration is predicted to be tolerated by in silico analysis. Since supporting evidence is limited at this time, the clinical significance of this alteration remains unclear.

NM_005732.4(RAD50):c.624G>A (p.Met208Ile)

Gene: RAD50 (RAD50 double strand break repair protein; plus strand). Cytogenetic location: 5q31.1.
Variant type: single nucleotide variant.
Coding change: c.624G>A on transcript NM_005732.4 (MANE Select); coding-DNA position 624, G replaced by A.
Protein change: p.Met208Ile; replaces methionine 208 with isoleucine.
Molecular consequence: missense variant.
Genome position (GRCh38, 1-based): chr5:132,579,934, G>A. VCF-style: chr5-132579934-G-A. GRCh37 (hg19) VCF-style: chr5-131915626-G-A.
Other names: short protein forms M208I.
Identifiers: ClinVar variation 826270 (VCV000826270.11), dbSNP rs766701804, ClinGen allele CA3405006.